The following is an entry in ClinVar:

ClinVar aggregate classification (germline): Uncertain significance (1 of 4 stars; one submission).

Conditions:
Long QT syndrome (LQTS). Identifiers: MedGen C0023976, MeSH D008133, MONDO:0002442. Disease mechanism: loss of function. Inheritance: Various modes of inheritance.

Allele frequency attached by ClinVar (database versions not stated): gnomAD exomes below 0.00001; TOPMed below 0.00001.
gnomAD v4.1: 4 of 1,614,154 alleles (0.00025%); highest among the groups gnomAD compares: Non-Finnish European, 0.00034%; no homozygotes.

Submission:

Labcorp Genetics (formerly Invitae), Labcorp
Classification: Uncertain significance for Long QT syndrome. Last evaluated: 2023-10-27. Review status: criteria provided, single submitter. Criteria: Invitae Variant Classification Sherloc (09022015). Collection method: clinical testing. Allele origin: germline.
Comment: This sequence change replaces glutamic acid, which is acidic and polar, with lysine, which is basic and polar, at codon 1126 of the ANK2 protein (p.Glu1126Lys). This variant is not present in population databases (gnomAD no frequency). This variant has not been reported in the literature in individuals affected with ANK2-related conditions. ClinVar contains an entry for this variant (Variation ID: 1980934). Advanced modeling of protein sequence and biophysical properties (such as structural, functional, and spatial information, amino acid conservation, physicochemical variation, residue mobility, and thermodynamic stability) has been performed at Invitae for this missense variant, however the output from this modeling did not meet the statistical confidence thresholds required to predict the impact of this variant on ANK2 protein function. In summary, the available evidence is currently insufficient to determine the role of this variant in disease. Therefore, it has been classified as a Variant of Uncertain Significance.

NM_001148.6(ANK2):c.3376G>A (p.Glu1126Lys)

Gene: ANK2 (ankyrin 2; plus strand). Cytogenetic location: 4q26.
Variant type: single nucleotide variant.
Coding change: c.3376G>A on transcript NM_001148.6 (MANE Select); coding-DNA position 3376, G replaced by A.
Protein change: p.Glu1126Lys; replaces glutamic acid 1126 with lysine.
Molecular consequence: missense variant.
Genome position (GRCh38, 1-based): chr4:113,333,205, G>A. VCF-style: chr4-113333205-G-A. GRCh37 (hg19) VCF-style: chr4-114254361-G-A.
Other names: c.3349G>A, p.Glu1117Lys (NM_001127493.3); c.3388G>A, p.Glu1130Lys (NM_001354225.2); c.3277G>A, p.Glu1093Lys (NM_001354228.2, NM_001354258.2); c.3355G>A, p.Glu1119Lys (NM_001354230.2); c.3418G>A, p.Glu1140Lys (NM_001354231.2, NM_001354242.2); c.3412G>A, p.Glu1138Lys (NM_001354232.2); c.3373G>A, p.Glu1125Lys (NM_001354235.2, NM_001354246.2, NM_001354265.2); c.3274G>A, p.Glu1092Lys (NM_001354236.2); and 28 more; short protein forms E1031K, E1039K, E1051K, E1055K, E1059K, E1060K, E1083K, E1092K.
Identifiers: ClinVar variation 1980934 (VCV001980934.4), dbSNP rs2092853044, ClinGen allele CA357936487.
Genomic context (GRCh38, chr4:113,333,205, plus strand): 5'-AAAGAGCATTTCTGTGACTACACTGAAGATGAATTGAATGAAATTCTTAACGGCATGGAT[G>A]AAGGTACTTTCAGATGAAGCGTTTTAAAAGAAATCTAAACTGGAAGCATGAAAATGATTC-3'
Protein context (NP_001139.3, residues 1116-1136): ELNEILNGMD[Glu1126Lys]VLDSPEDLEK